The following is an entry in ClinVar:

NM_004519.4(KCNQ3):c.989G>A (p.Arg330His)

Gene: KCNQ3 (potassium voltage-gated channel subfamily Q member 3; minus strand). Cytogenetic location: 8q24.22.
Variant type: single nucleotide variant.
Coding change: c.989G>A on transcript NM_004519.4 (MANE Select); coding-DNA position 989, G replaced by A.
Protein change: p.Arg330His; replaces arginine 330 with histidine.
Molecular consequence: missense variant.
Genome position (GRCh38, 1-based): chr8:132,174,294, C>T on the plus strand (G>A on the coding strand, the complement: KCNQ3 is on the minus strand). VCF-style: chr8-132174294-C-T. GRCh37 (hg19) VCF-style: chr8-133186541-C-T.
Other names: c.629G>A, p.Arg210His (NM_001204824.2); short protein forms R210H, R330H.
Identifiers: ClinVar variation 852086 (VCV000852086.43), dbSNP rs1162306056, ClinGen allele CA372290153.

ClinVar aggregate classification (germline): Pathogenic/Likely pathogenic. Review status: criteria provided, multiple submitters, no conflicts (2 of 4 stars). 5 submissions from 5 submitters: Pathogenic (2); Likely pathogenic (2). 1 of the submissions does not count toward it. Last evaluated 2025-07-06.

Conditions:
KCNQ3-related disorder. Also called: KCNQ3-related condition; KCNQ3-Related Disorders. Identifiers: MedGen CN381530.
Seizures, benign familial neonatal, 2. Also called: CONVULSIONS, BENIGN FAMILIAL NEONATAL, 2; KCNQ3-Related Benign Familial Neonatal Epilepsy; Seizures, benign neonatal, 2; Benign Neonatal Epilepsy 2; KCNQ3-Related Self-Limited Familial Neonatal Epilepsy (SLFNE). Identifiers: Orphanet 1949, MedGen C1852581, MONDO:0007366, OMIM 121201.
Benign neonatal seizures. Also called: Benign familial neonatal seizures; Benign neonatal familial convulsions; Benign familial neonatal epilepsy; Convulsions benign familial neonatal dominant form; Autosomal dominant form of benign neonatal seizures. Identifiers: Orphanet 1949, MedGen C0220669, MONDO:0016027.

Submissions (5):

Labcorp Genetics (formerly Invitae), Labcorp
Classification: Pathogenic for Benign neonatal seizures. Last evaluated: 2025-07-06. Review status: criteria provided, single submitter. Criteria: Invitae Variant Classification Sherloc (09022015). Collection method: clinical testing. Allele origin: germline.
Comment: This sequence change replaces arginine, which is basic and polar, with histidine, which is basic and polar, at codon 330 of the KCNQ3 protein (p.Arg330His). This variant is not present in population databases (gnomAD no frequency). This missense change has been observed in individuals with clinical features of autosomal dominant KCNQ3-related conditions (PMID: 25052858; internal data). ClinVar contains an entry for this variant (Variation ID: 852086). Invitae Evidence Modeling of protein sequence and biophysical properties (such as structural, functional, and spatial information, amino acid conservation, physicochemical variation, residue mobility, and thermodynamic stability) indicates that this missense variant is expected to disrupt KCNQ3 protein function with a positive predictive value of 80%. This variant disrupts the p.Arg330 amino acid residue in KCNQ3. Other variant(s) that disrupt this residue have been determined to be pathogenic (PMID: 18249525, 23146207). This suggests that this residue is clinically significant, and that variants that disrupt this residue are likely to be disease-causing. For these reasons, this variant has been classified as Pathogenic.

GeneDx
Classification: Pathogenic. Last evaluated: 2025-03-26. Review status: criteria provided, single submitter. Criteria: GeneDx Variant Classification Process June 2021. Collection method: clinical testing. Allele origin: germline.
Comment: Not observed at significant frequency in large population cohorts (gnomAD); In silico analysis supports that this missense variant has a deleterious effect on protein structure/function; This variant is associated with the following publications: (PMID: 24851285, 23146207, 30868112, 18249525, 34136434, 25052858, 34671977)

PreventionGenetics, part of Exact Sciences
Classification: Likely pathogenic for KCNQ3-related condition. Last evaluated: 2023-06-16. Review status: criteria provided, single submitter. Criteria: ACMG Guidelines, 2015. Collection method: clinical testing. Allele origin: germline.
Comment: The KCNQ3 c.989G>A variant is predicted to result in the amino acid substitution p.Arg330His. This variant has been reported in an infant with benign familial neonatal seizures (BFNS) and was maternally inherited (Infant 2, Allen et al. 2014. PubMed ID: 25052858). Of note, two other variants impacting the same amino acid have been reported in individuals with BFNS and familial epilepsy with focal seizures and intellectual disability [c.988C>T (p.Arg30Cys) and c.989G>T (p.Arg330Leu); Li et al. 2008. PubMed ID: 18249525; Fister et al. 2013. PubMed ID: 23146207; Miceli et al. 2015. PubMed ID: 25524373]. This variant has not been reported in a large population database, indicating this variant is rare and is interpreted as pathogenic/likely pathogenic in ClinVar. This variant is interpreted as likely pathogenic.

CeGaT Center for Human Genetics Tuebingen
Classification: Likely pathogenic. Last evaluated: 2022-03-01. Review status: criteria provided, single submitter. Criteria: CeGaT Center For Human Genetics Tuebingen Variant Classification Criteria Version 2. Collection method: clinical testing. Allele origin: germline. Affected: yes. Observed: 1 variant allele.

GeneReviews
No classification provided. Condition: Seizures, benign familial neonatal, 2. Review status: no classification provided. Collection method: literature only. Allele origin: germline. Not counted in ClinVar's aggregate classification.

Literature cited by the submitters: PubMed 25052858 (cited by Labcorp Genetics (formerly Invitae), Labcorp and GeneReviews); PubMed 18249525 (cited by Labcorp Genetics (formerly Invitae), Labcorp); PubMed 23146207 (cited by Labcorp Genetics (formerly Invitae), Labcorp); NCBI Bookshelf NBK201978 (cited by GeneReviews).